The following is an entry in ClinVar:

ClinVar aggregate classification (germline): Pathogenic (1 of 4 stars; one submission).

Conditions:
Multiple congenital anomalies-hypotonia-seizures syndrome 1 (MCAHS1). Also called: GLYCOSYLPHOSPHATIDYLINOSITOL BIOSYNTHESIS DEFECT 3; PIGN-CDG; Congenital disorder of glycosylation due to PIGN deficiency. Identifiers: Orphanet 280633, MedGen C3279775, MONDO:0013563, OMIM 614080.

Submission:

Labcorp Genetics (formerly Invitae), Labcorp
Classification: Pathogenic for Multiple congenital anomalies-hypotonia-seizures syndrome 1. Last evaluated: 2024-01-04. Review status: criteria provided, single submitter. Criteria: Invitae Variant Classification Sherloc (09022015). Collection method: clinical testing. Allele origin: unknown.
Comment: A gross deletion of the genomic region encompassing the full coding sequence of the PIGN gene has been identified. Loss-of-function variants in PIGN are known to be pathogenic (PMID: 24253414, 27038415). The boundaries of this event are unknown as they extend beyond the assayed region for this gene and therefore may encompass additional genes. This variant has not been reported in the literature in individuals affected with PIGN-related conditions. For these reasons, this variant has been classified as Pathogenic.

Literature cited by the submitters: PubMed 24253414; PubMed 27038415.

NC_000018.9:g.(?_59713089)_(59828586_?)del

Gene: PIGN (phosphatidylinositol glycan anchor biosynthesis class N; minus strand). Cytogenetic location: 18q21.33.
Variant type: Deletion.
Identifiers: ClinVar variation 3242772 (VCV003242772.1).